The following is an entry in ClinVar:

NM_001040142.2(SCN2A):c.3038del (p.Gly1013fs)

Gene: SCN2A (sodium voltage-gated channel alpha subunit 2; plus strand). Cytogenetic location: 2q24.3.
Variant type: Deletion.
Coding change: c.3038del on transcript NM_001040142.2 (MANE Select); coding-DNA position 3038, one base deleted (G; older notation c.3038delG).
Protein change: p.Gly1013fs; shifts the reading frame from glycine 1013.
Molecular consequence: frameshift variant.
Genome position (GRCh38, 1-based): chr2:165,354,310, G deleted; the last of 2 consecutive G bases (chr2:165,354,309-165,354,310); deleting either gives the same sequence. VCF-style (leftmost placement, unchanged base first): chr2-165354308-AG-A. GRCh37 (hg19) VCF-style: chr2-166210818-AG-A.
Other names: c.3038del, p.Gly1013fs (NM_001040143.2, NM_001371246.1, NM_001371247.1 and 1 more transcripts); short protein forms G1013fs.
Identifiers: ClinVar variation 4082282 (VCV004082282.1).

ClinVar aggregate classification (germline): Pathogenic (1 of 4 stars; one submission).

Conditions:
Developmental and epileptic encephalopathy, 11 (DEE11). Also called: Early infantile epileptic encephalopathy 11. Identifiers: Orphanet 1934, MedGen C3150987, MONDO:0013388, OMIM 613721.

Submission:

Medical Genetics Center, Maternal and Child Health Hospital of Hubei Province
Classification: Pathogenic for Developmental and epileptic encephalopathy, 11. Last evaluated: 2023-06-26. Review status: criteria provided, single submitter. Criteria: ACMG Guidelines, 2015. Collection method: clinical testing. Allele origin: de novo. Affected: yes.
Comment: PVS1 + PS2 + PM2_Supporting